The following is an entry in ClinVar:

ClinVar aggregate classification (germline): Uncertain significance (1 of 4 stars; one submission).

gnomAD v4.1: 1 of 1,523,234 alleles (0.000066%); no homozygotes.

Submission:

GeneDx
Classification: Uncertain significance. Last evaluated: 2024-12-11. Review status: criteria provided, single submitter. Criteria: GeneDx Variant Classification Process June 2021. Collection method: clinical testing. Allele origin: germline. Affected: yes.
Comment: Not observed at significant frequency in large population cohorts (gnomAD); In silico analysis indicates that this variant does not alter splicing; Has not been previously published as pathogenic or benign to our knowledge; Reported using an alternate transcript of the gene

NM_001060.6(TBXA2R):c.*703G>A

Gene: TBXA2R (thromboxane A2 receptor; minus strand). Cytogenetic location: 19p13.3.
Variant type: single nucleotide variant.
Coding change: c.*703G>A on transcript NM_001060.6 (MANE Select); 703 bases downstream of the stop codon, G replaced by A.
Molecular consequence: 3 prime UTR variant. On other transcripts: missense variant (1).
Genome position (GRCh38, 1-based): chr19:3,594,985, C>T on the plus strand (G>A on the coding strand, the complement: TBXA2R is on the minus strand). VCF-style: chr19-3594985-C-T. GRCh37 (hg19) VCF-style: chr19-3594983-C-T.
Other names: c.1075G>A, p.Ala359Thr (NM_201636.3); short protein forms A359T.
Identifiers: ClinVar variation 3902891 (VCV003902891.1).